The following is an entry in ClinVar:

NM_000245.4(MET):c.4087G>T (p.Ala1363Ser)

Gene: MET (MET proto-oncogene, receptor tyrosine kinase; plus strand). Cytogenetic location: 7q31.2.
Variant type: single nucleotide variant.
Coding change: c.4087G>T on transcript NM_000245.4 (MANE Select); coding-DNA position 4087, G replaced by T.
Protein change: p.Ala1363Ser; replaces alanine 1363 with serine.
Molecular consequence: missense variant.
Genome position (GRCh38, 1-based): chr7:116,796,038, G>T. VCF-style: chr7-116796038-G-T. GRCh37 (hg19) VCF-style: chr7-116436092-G-T.
Other names: c.4141G>T, p.Ala1381Ser (NM_001127500.3); c.2797G>T, p.Ala933Ser (NM_001324402.2); short protein forms A1381S, A933S, A1363S.
Identifiers: ClinVar variation 954622 (VCV000954622.13), dbSNP rs45578433, ClinGen allele CA369118371.

ClinVar aggregate classification (germline): Uncertain significance. Review status: criteria provided, multiple submitters, no conflicts (2 of 4 stars). 2 submissions from 2 submitters: Uncertain significance (2). Last evaluated 2025-11-05.

Conditions:
Renal cell carcinoma. Identifiers: Orphanet 217071, MedGen C0007134, MeSH D002292, MONDO:0005086, HP:0005584.
Hereditary cancer-predisposing syndrome. Also called: Hereditary neoplastic syndrome; Tumor predisposition; Neoplastic Syndromes, Hereditary; Hereditary Cancer Syndrome. Identifiers: Orphanet 140162, MedGen C0027672, MeSH D009386, MONDO:0015356.

gnomAD v4.1: 3 of 1,613,924 alleles (0.00019%); highest among the groups gnomAD compares: Non-Finnish European, 0.00025%; no homozygotes.

Submissions (2):

Labcorp Genetics (formerly Invitae), Labcorp
Classification: Uncertain significance for Renal cell carcinoma. Last evaluated: 2025-11-05. Review status: criteria provided, single submitter. Criteria: Invitae Variant Classification Sherloc (09022015). Collection method: clinical testing. Allele origin: germline.
Comment: This sequence change replaces alanine, which is neutral and non-polar, with serine, which is neutral and polar, at codon 1381 of the MET protein (p.Ala1381Ser). This variant is not present in population databases (gnomAD no frequency). This variant has not been reported in the literature in individuals affected with MET-related conditions. ClinVar contains an entry for this variant (Variation ID: 954622). An algorithm developed to predict the effect of missense changes on protein structure and function outputs the following: PolyPhen-2: "Benign". The serine amino acid residue is found in multiple mammalian species, which suggests that this missense change does not adversely affect protein function. In summary, the available evidence is currently insufficient to determine the role of this variant in disease. Therefore, it has been classified as a Variant of Uncertain Significance.

Ambry Genetics
Classification: Uncertain significance for Hereditary cancer-predisposing syndrome. Last evaluated: 2025-10-22. Review status: criteria provided, single submitter. Criteria: Ambry Variant Classification Scheme 2023. Collection method: clinical testing. Allele origin: germline.
Comment: The p.A1381S variant (also known as c.4141G>T), located in coding exon 20 of the MET gene, results from a G to T substitution at nucleotide position 4141. The alanine at codon 1381 is replaced by serine, an amino acid with similar properties. This amino acid position is not well conserved in available vertebrate species. In addition, this alteration is predicted to be tolerated by in silico analysis. Since supporting evidence is limited at this time, the clinical significance of this alteration remains unclear.